The following is an entry in ClinVar:

NM_007286.6(SYNPO):c.811G>A (p.Ala271Thr)

Gene: SYNPO (synaptopodin; plus strand). Cytogenetic location: 5q33.1.
Variant type: single nucleotide variant.
Coding change: c.811G>A on transcript NM_007286.6 (MANE Select); coding-DNA position 811, G replaced by A.
Protein change: p.Ala271Thr; replaces alanine 271 with threonine.
Molecular consequence: missense variant.
Genome position (GRCh38, 1-based): chr5:150,649,086, G>A. VCF-style: chr5-150649086-G-A. GRCh37 (hg19) VCF-style: chr5-150028648-G-A.
Other names: c.1543G>A, p.Ala515Thr (NM_001166209.2, NM_001166208.2); c.811G>A, p.Ala271Thr (NM_001109974.3); short protein forms A271T, A515T.
Identifiers: ClinVar variation 2799259 (VCV002799259.3), dbSNP rs2480383419, ClinGen allele CA361781227.
Genomic context (GRCh38, chr5:150,649,086, plus strand): 5'-ACCAGCCAGATGGAGAGGAGCCCCATGCTAGAGAGACGACATTTTGGGGAGAAGGCCCCG[G>A]CTCCCCAGCCCCCCAGTTTGCCAGACAGGAGCCCCCGGCCACAGAGACACATAATGTCCC-3'
Protein context (NP_009217.3, residues 261-281): ERRHFGEKAP[Ala271Thr]PQPPSLPDRS

ClinVar aggregate classification (germline): Uncertain significance (1 of 4 stars; one submission).

gnomAD v4.1: 1 of 1,613,826 alleles (0.000062%); no homozygotes.

Submission:

Labcorp Genetics (formerly Invitae), Labcorp
Classification: Uncertain significance. Last evaluated: 2023-09-17. Review status: criteria provided, single submitter. Criteria: Invitae Variant Classification Sherloc (09022015). Collection method: clinical testing. Allele origin: germline.
Comment: This variant has not been reported in the literature in individuals affected with SYNPO-related conditions. In summary, the available evidence is currently insufficient to determine the role of this variant in disease. Therefore, it has been classified as a Variant of Uncertain Significance. Algorithms developed to predict the effect of missense changes on protein structure and function output the following: SIFT: "Not Available"; PolyPhen-2: "Benign"; Align-GVGD: "Not Available". The threonine amino acid residue is found in multiple mammalian species, which suggests that this missense change does not adversely affect protein function. This variant is not present in population databases (gnomAD no frequency). This sequence change replaces alanine, which is neutral and non-polar, with threonine, which is neutral and polar, at codon 271 of the SYNPO protein (p.Ala271Thr).